The following is an entry in ClinVar:

ClinVar aggregate classification (germline): Benign/Likely benign. Review status: criteria provided, multiple submitters, no conflicts (2 of 4 stars). 2 submissions from 2 submitters: Benign (1); Likely benign (1). Last evaluated 2024-10-01.

Allele frequency attached by ClinVar (database versions not stated): 1000 Genomes Project 0.00120; 1000 Genomes Project 30x 0.00141; TOPMed 0.00457; gnomAD 0.00524 and 0.00554; ESP Exome Variant Server 0.00604; gnomAD exomes 0.00813.
gnomAD v4.1: 12,511 of 1,607,948 alleles (0.78%); highest among the groups gnomAD compares: Non-Finnish European, 0.94%; 69 homozygotes.

Submissions (2):

CeGaT Center for Human Genetics Tuebingen
Classification: Likely benign. Last evaluated: 2024-10-01. Review status: criteria provided, single submitter. Criteria: CeGaT Center For Human Genetics Tuebingen Variant Classification Criteria Version 2. Collection method: clinical testing. Allele origin: germline. Affected: yes. Observed: 1 variant allele.
Comment: JRK: BP4, BS2

Labcorp Genetics (formerly Invitae), Labcorp
Classification: Benign. Last evaluated: 2019-12-31. Review status: criteria provided, single submitter. Criteria: Invitae Variant Classification Sherloc (09022015). Collection method: clinical testing. Allele origin: germline.

NM_003724.4(JRK):c.1508G>A (p.Arg503Gln)

Gene: JRK (Jrk helix-turn-helix protein; minus strand). Cytogenetic location: 8q24.3.
Variant type: single nucleotide variant.
Coding change: c.1508G>A on transcript NM_003724.4 (MANE Select); coding-DNA position 1508, G replaced by A.
Protein change: p.Arg503Gln; replaces arginine 503 with glutamine.
Molecular consequence: missense variant.
Genome position (GRCh38, 1-based): chr8:142,664,551, C>T on the plus strand (G>A on the coding strand, the complement: JRK is on the minus strand). VCF-style: chr8-142664551-C-T. GRCh37 (hg19) VCF-style: chr8-143745968-C-T.
Other names: c.1508G>A, p.Arg503Gln (NM_001077527.3, NM_001279352.2); short protein forms R503Q.
Identifiers: ClinVar variation 779431 (VCV000779431.18), dbSNP rs35283248, ClinGen allele CA4903144.
Genomic context (GRCh38, chr8:142,664,551, plus strand): 5'-CGGAACACGGCACGCAGCGCCCGCAGCTGCCCCACTTCCTGCGCACTGAAGCATGGCTGC[C>T]GCTCCGCAAAGCGCAGGACTGCGTCAAAGGCCACGGCCGCCTGCTCCCAGGCCACCTCCT-3'
Protein context (NP_003715.3, residues 493-513): AFDAVLRFAE[Arg503Gln]QPCFSAQEVG